The following is an entry in ClinVar:

NM_024426.6(WT1):c.785G>C (p.Gly262Ala)

Gene: WT1 (WT1 transcription factor; minus strand). Cytogenetic location: 11p13.
Variant type: single nucleotide variant.
Coding change: c.785G>C on transcript NM_024426.6 (MANE Select); coding-DNA position 785, G replaced by C.
Protein change: p.Gly262Ala; replaces glycine 262 with alanine.
Molecular consequence: missense variant. On other transcripts: non-coding transcript variant (2).
Genome position (GRCh38, 1-based): chr11:32,428,058, C>G on the plus strand (G>C on the coding strand, the complement: WT1 is on the minus strand). VCF-style: chr11-32428058-C-G. GRCh37 (hg19) VCF-style: chr11-32449604-C-G.
Other names: c.785G>C, p.Gly262Ala (NM_000378.6, NM_001407044.1, NM_001407045.1 and 4 more transcripts); c.134G>C, p.Gly45Ala (NM_001198551.2, NM_001198552.2); c.662G>C, p.Gly221Ala (NM_001407047.1, NM_001407050.1); c.23G>C, p.Gly8Ala (NM_001407051.1); c.566G>C, p.Gly189Ala (NM_001429031.1, NM_001429032.1, NM_001429033.1 and 1 more transcripts); short protein forms G189A, G221A, G262A, G8A, G45A, G257A.
Identifiers: ClinVar variation 3470980 (VCV003470980.1).
Genomic context (GRCh38, chr11:32,428,058, plus strand): 5'-CAGCTGTCGGTGGGGGTGTGGCAGCCATAGACCGGGGGCGGCACCGAGTACTGCTGCTCA[C>G]CTGCAGAGAGAACCGAAGACAGCTGAGCGAGTGCGCCCCAAGGGCTCGGGGTGCGAGGCT-3'
Protein context (NP_077744.4, residues 252-272): EDPMGQQGSL[Gly262Ala]EQQYSVPPPV

ClinVar aggregate classification (germline): Uncertain significance (1 of 4 stars; one submission).

Conditions:
Inborn genetic diseases. Identifiers: MedGen C0950123, MeSH D030342.

Submission:

Ambry Genetics
Classification: Uncertain significance for Inborn genetic diseases. Last evaluated: 2024-10-15. Review status: criteria provided, single submitter. Criteria: Ambry Variant Classification Scheme 2023. Collection method: clinical testing. Allele origin: germline.
Comment: The p.G257A variant (also known as c.770G>C) is located in coding exon 3 of the WT1 gene. The glycine at codon 257 is replaced by alanine, an amino acid with similar properties. This change occurs in the first base pair of coding exon 3. This amino acid position is conserved. In addition, the in silico prediction for this alteration is inconclusive. Based on the available evidence, the clinical significance of this variant remains unclear.